The following is an entry in ClinVar:

NM_182961.4(SYNE1):c.21572G>T (p.Gly7191Val)

Genes: SYNE1 (spectrin repeat containing nuclear envelope protein 1; minus strand), LOC126859836 (MED14-independent group 3 enhancer GRCh37_chr6:152542272-152543471; plus strand). Cytogenetic location: 6q25.2.
Variant type: single nucleotide variant.
Coding change: c.21572G>T on transcript NM_182961.4 (MANE Select); coding-DNA position 21572, G replaced by T.
Protein change: p.Gly7191Val; replaces glycine 7191 with valine.
Molecular consequence: missense variant.
Genome position (GRCh38, 1-based): chr6:152,221,510, C>A on the plus strand (G>T on the coding strand, the complement: SYNE1 is on the minus strand). VCF-style: chr6-152221510-C-A. GRCh37 (hg19) VCF-style: chr6-152542645-C-A.
Other names: c.21359G>T, p.Gly7120Val (NM_033071.5); short protein forms G7120V, G7191V.
Identifiers: ClinVar variation 4537309 (VCV004537309.1).

ClinVar aggregate classification (germline): Uncertain significance (1 of 4 stars; one submission).

Submission:

Women's Health and Genetics/Laboratory Corporation of America, LabCorp
Classification: Uncertain significance. Last evaluated: 2025-11-19. Review status: criteria provided, single submitter. Criteria: LabCorp Variant Classification Summary - May 2015. Collection method: clinical testing. Allele origin: germline.
Comment: Variant summary: SYNE1 c.21359G>T (p.Gly7120Val) results in a non-conservative amino acid change in the encoded protein sequence. Algorithms developed to predict the effect of missense changes on protein structure and function are either unavailable or do not agree on the potential impact of this missense change. The variant was absent in 251174 control chromosomes. The available data on variant occurrences in the general population are insufficient to allow any conclusion about variant significance. To our knowledge, no occurrence of c.21359G>T in individuals affected with SYNE1-related conditions and no experimental evidence demonstrating its impact on protein function have been reported. No submitters have cited clinical-significance assessments for this variant to ClinVar. Based on the evidence outlined above, the variant was classified as uncertain significance.